The following is an entry in ClinVar:

ClinVar aggregate classification (germline): Uncertain significance (1 of 4 stars; one submission).

Conditions:
Hereditary cancer-predisposing syndrome. Also called: Neoplastic Syndromes, Hereditary; Tumor predisposition; Hereditary neoplastic syndrome; Hereditary Cancer Syndrome. Identifiers: Orphanet 140162, MedGen C0027672, MeSH D009386, MONDO:0015356.

Submission:

Ambry Genetics
Classification: Uncertain significance for Hereditary cancer-predisposing syndrome. Last evaluated: 2023-01-05. Review status: criteria provided, single submitter. Criteria: Ambry Variant Classification Scheme 2023. Collection method: clinical testing. Allele origin: germline.
Comment: The p.S418L variant (also known as c.1253C>T), located in coding exon 9 of the BRCA2 gene, results from a C to T substitution at nucleotide position 1253. The serine at codon 418 is replaced by leucine, an amino acid with dissimilar properties. This amino acid position is not well conserved in available vertebrate species. In addition, this alteration is predicted to be tolerated by in silico analysis. Since supporting evidence is limited at this time, the clinical significance of this alteration remains unclear.

NM_000059.4(BRCA2):c.1253C>T (p.Ser418Leu)

Gene: BRCA2 (BRCA2 DNA repair associated; plus strand). Cytogenetic location: 13q13.1.
Variant type: single nucleotide variant.
Coding change: c.1253C>T on transcript NM_000059.4 (MANE Select); coding-DNA position 1253, C replaced by T.
Protein change: p.Ser418Leu; replaces serine 418 with leucine.
Molecular consequence: missense variant. On other transcripts: non-coding transcript variant (1), intron variant (1).
Genome position (GRCh38, 1-based): chr13:32,332,731, C>T. VCF-style: chr13-32332731-C-T. GRCh37 (hg19) VCF-style: chr13-32906868-C-T.
Other names: c.1253C>T, p.Ser418Leu (NM_001406719.1, NM_001406720.1, NM_001406721.1); c.424+1701C>T (NM_001406722.1); short protein forms S418L.
Identifiers: ClinVar variation 2451526 (VCV002451526.2), dbSNP rs397507266, ClinGen allele CA387762287.